The following is an entry in ClinVar:

NM_001198950.3(MYO16):c.1545C>T (p.Phe515=)

Gene: MYO16 (myosin XVI; plus strand). Cytogenetic location: 13q33.3.
Variant type: single nucleotide variant.
Coding change: c.1545C>T on transcript NM_001198950.3 (MANE Select); coding-DNA position 1545, C replaced by T.
Protein change: p.Phe515=; no amino-acid change (phenylalanine 515 retained).
Molecular consequence: synonymous variant.
Genome position (GRCh38, 1-based): chr13:108,883,178, C>T. VCF-style: chr13-108883178-C-T. GRCh37 (hg19) VCF-style: chr13-109535526-C-T.
Other names: c.1479C>T, p.Phe493= (NM_015011.3).
Identifiers: ClinVar variation 744446 (VCV000744446.6), dbSNP rs369318472, ClinGen allele CA7044779.

ClinVar aggregate classification (germline): Benign. Review status: criteria provided, single submitter (1 of 4 stars). 2 submissions from 2 submitters: Benign (1). 1 of the submissions does not count toward it. Last evaluated 2019-12-31.

Conditions:
MYO16-related disorder. Also called: MYO16-related condition.

Allele frequency attached by ClinVar (database versions not stated): gnomAD 0.00002 and 0.00063; ESP Exome Variant Server 0.00008; TOPMed 0.00013; gnomAD exomes 0.00129 and 0.00277; ExAC 0.00313; 1000 Genomes Project 30x 0.00453; 1000 Genomes Project 0.00539.
gnomAD v4.1: 2,015 of 1,613,800 alleles (0.12%); highest among the groups gnomAD compares: South Asian, 2.1%; 28 homozygotes.

Submissions (2):

Labcorp Genetics (formerly Invitae), Labcorp
Classification: Benign. Last evaluated: 2019-12-31. Review status: criteria provided, single submitter. Criteria: Invitae Variant Classification Sherloc (09022015). Collection method: clinical testing. Allele origin: germline.

PreventionGenetics, part of Exact Sciences
Classification: Benign for MYO16-related condition. Last evaluated: 2019-04-05. Review status: no assertion criteria provided. Collection method: clinical testing. Allele origin: germline. Not counted in ClinVar's aggregate classification.
Comment: This variant is classified as benign based on ACMG/AMP sequence variant interpretation guidelines (Richards et al. 2015 PMID: 25741868, with internal and published modifications).